The following is an entry in ClinVar:

ClinVar aggregate classification (germline): Pathogenic/Likely pathogenic. Review status: criteria provided, multiple submitters, no conflicts (2 of 4 stars). 3 submissions from 3 submitters: Pathogenic (2); Likely pathogenic (1). Last evaluated 2025-08-25.

Conditions:
Hyperekplexia 3 (HKPX3). Also called: HYPEREKPLEXIA 3, AUTOSOMAL RECESSIVE; HYPEREKPLEXIA 3, AUTOSOMAL DOMINANT. Identifiers: Orphanet 3197, MedGen C3553288, MONDO:0013827, OMIM 614618.

Submissions (3):

3billion
Classification: Pathogenic for Hyperekplexia 3. Last evaluated: 2025-08-25. Review status: criteria provided, single submitter. Criteria: ACMG Guidelines, 2015. Collection method: clinical testing. Allele origin: germline. Affected: yes.
Comment: The variant is not observed in the gnomAD v4.1.0 dataset. Predicted Consequence/Location: Frameshift: predicted to result in a loss or disruption of normal protein function through nonsense-mediated decay (NMD) or protein truncation. Multiple pathogenic variants are reported downstream of the variant. The variant has been reported at least twice as pathogenic with clinical assertions and evidence for the classification (ClinVar ID: VCV002059727). Therefore, this variant is classified as Pathogenic according to the recommendation of ACMG/AMP guideline.

Revvity Omics, Revvity
Classification: Likely pathogenic for Hyperekplexia 3. Last evaluated: 2024-07-19. Review status: criteria provided, single submitter. Criteria: ACMG Guidelines, 2015. Collection method: clinical testing. Allele origin: germline.

Labcorp Genetics (formerly Invitae), Labcorp
Classification: Pathogenic for Hyperekplexia 3. Last evaluated: 2022-06-27. Review status: criteria provided, single submitter. Criteria: Invitae Variant Classification Sherloc (09022015). Collection method: clinical testing. Allele origin: germline.
Comment: This sequence change creates a premature translational stop signal (p.Gly226Glufs*9) in the SLC6A5 gene. It is expected to result in an absent or disrupted protein product. Loss-of-function variants in SLC6A5 are known to be pathogenic (PMID: 14622583, 16751771, 22700964). This variant is not present in population databases (gnomAD no frequency). This variant has not been reported in the literature in individuals affected with SLC6A5-related conditions. For these reasons, this variant has been classified as Pathogenic.

Literature cited by the submitters: PubMed 14622583 (cited by Labcorp Genetics (formerly Invitae), Labcorp); PubMed 16751771 (cited by Labcorp Genetics (formerly Invitae), Labcorp); PubMed 22700964 (cited by Labcorp Genetics (formerly Invitae), Labcorp).

NM_004211.5(SLC6A5):c.677del (p.Gly226fs)

Gene: SLC6A5 (solute carrier family 6 member 5; plus strand). Cytogenetic location: 11p15.1.
Variant type: Deletion.
Coding change: c.677del on transcript NM_004211.5 (MANE Select); coding-DNA position 677, one base deleted (G; older notation c.677delG).
Protein change: p.Gly226fs; shifts the reading frame from glycine 226.
Molecular consequence: frameshift variant. On other transcripts: intron variant (1).
Genome position (GRCh38, 1-based): chr11:20,604,422, G deleted; the last of 5 consecutive G bases (chr11:20,604,418-20,604,422); deleting any one gives the same sequence. VCF-style (leftmost placement, unchanged base first): chr11-20604417-CG-C. GRCh37 (hg19) VCF-style: chr11-20625963-CG-C.
Other names: c.-23-2585del (NM_001318369.2); short protein forms G226fs.
Identifiers: ClinVar variation 2059727 (VCV002059727.7), dbSNP rs2494100057, ClinGen allele CA2580082856.
Genomic context (GRCh38, chr11:20,604,417, plus strand): 5'-GGTGGGGTACGCAGTGGGGCTGGGCAATGTCTGGAGGTTTCCCTACCTGGCCTTCCAGAA[CG>C]GGGGAGGTATGGCTTTTCCGCTCTTTCCGCCTGCGGCGGGGCGGGGCGGGCACCTGAGGG-3'